The following is an entry in ClinVar:

NM_000059.4(BRCA2):c.5531T>A (p.Phe1844Tyr)

Gene: BRCA2 (BRCA2 DNA repair associated; plus strand). Cytogenetic location: 13q13.1.
Variant type: single nucleotide variant.
Coding change: c.5531T>A on transcript NM_000059.4 (MANE Select); coding-DNA position 5531, T replaced by A.
Protein change: p.Phe1844Tyr; replaces phenylalanine 1844 with tyrosine.
Molecular consequence: missense variant.
Genome position (GRCh38, 1-based): chr13:32,339,886, T>A. VCF-style: chr13-32339886-T-A. GRCh37 (hg19) VCF-style: chr13-32914023-T-A.
Other names: c.5531T>A, p.Phe1844Tyr (NM_001406719.1, NM_001406720.1); short protein forms F1844Y.
Identifiers: ClinVar variation 1748146 (VCV001748146.4), dbSNP rs2137518345, ClinGen allele CA387785918.
Genomic context (GRCh38, chr13:32,339,886, plus strand): 5'-ATGCAGCCATTAAATTGTCCATATCTAATAGTAATAATTTTGAGGTAGGGCCACCTGCAT[T>A]TAGGATAGCCAGTGGTAAAATCGTTTGTGTTTCACATGAAACAATTAAAAAAGTGAAAGA-3'
Protein context (NP_000050.3, residues 1834-1854): SNNFEVGPPA[Phe1844Tyr]RIASGKIVCV

ClinVar aggregate classification (germline): Conflicting classifications of pathogenicity. Review status: criteria provided, conflicting classifications (1 of 4 stars). 2 submissions from 2 submitters: Uncertain significance (1); Likely benign (1). Last evaluated 2023-03-23.

Conditions:
Hereditary cancer-predisposing syndrome. Also called: Hereditary Cancer Syndrome; Hereditary neoplastic syndrome; Neoplastic Syndromes, Hereditary; Tumor predisposition. Identifiers: Orphanet 140162, MedGen C0027672, MeSH D009386, MONDO:0015356.

Submissions (2):

University of Washington Department of Laboratory Medicine, University of Washington
Classification: Likely benign for Hereditary cancer-predisposing syndrome. Last evaluated: 2023-03-23. Review status: criteria provided, single submitter. Criteria: Dines et al. (Genet Med. 2020). Collection method: curation. Allele origin: germline.
Comment: Missense variant in a coldspot region where missense variants are very unlikely to be pathogenic (PMID:31911673).

BRCA2 exon 11 coldspot. Reclassification based on statistical prior probability.

Ambry Genetics
Classification: Uncertain significance for Hereditary cancer-predisposing syndrome. Last evaluated: 2020-12-16. Review status: criteria provided, single submitter. Criteria: Ambry Variant Classification Scheme 2023. Collection method: clinical testing. Allele origin: germline.
Comment: The p.F1844Y variant (also known as c.5531T>A), located in coding exon 10 of the BRCA2 gene, results from a T to A substitution at nucleotide position 5531. The phenylalanine at codon 1844 is replaced by tyrosine, an amino acid with highly similar properties. This amino acid position is well conserved in available vertebrate species. In addition, the in silico prediction for this alteration is inconclusive. Since supporting evidence is limited at this time, the clinical significance of this alteration remains unclear.